The following is an entry in ClinVar:

NM_000245.4(MET):c.4151C>T (p.Ala1384Val)

Gene: MET (MET proto-oncogene, receptor tyrosine kinase; plus strand). Cytogenetic location: 7q31.2.
Variant type: single nucleotide variant.
Coding change: c.4151C>T on transcript NM_000245.4 (MANE Select); coding-DNA position 4151, C replaced by T.
Protein change: p.Ala1384Val; replaces alanine 1384 with valine.
Molecular consequence: missense variant.
Genome position (GRCh38, 1-based): chr7:116,796,102, C>T. VCF-style: chr7-116796102-C-T. GRCh37 (hg19) VCF-style: chr7-116436156-C-T.
Other names: c.4205C>T, p.Ala1402Val (NM_001127500.3); c.2861C>T, p.Ala954Val (NM_001324402.2); short protein forms A954V, A1384V, A1402V.
Identifiers: ClinVar variation 3694764 (VCV003694764.4).
Genomic context (GRCh38, chr7:116,796,102, plus strand): 5'-CGTATCCTTCTCTGTTGTCATCAGAAGATAACGCTGATGATGAGGTGGACACACGACCAG[C>T]CTCCTTCTGGGAGACATCATAGTGCTAGTACTATGTCAAAGCAACAGTCCACACTTTGTC-3'
Protein context (NP_000236.2, residues 1374-1390): NADDEVDTRP[Ala1384Val]SFWETS

ClinVar aggregate classification (germline): Conflicting classifications of pathogenicity. Review status: criteria provided, conflicting classifications (1 of 4 stars). 2 submissions from 2 submitters: Uncertain significance (1); Likely benign (1). Last evaluated 2026-06-01.

Conditions:
Hereditary cancer-predisposing syndrome. Also called: Hereditary Cancer Syndrome; Hereditary neoplastic syndrome; Neoplastic Syndromes, Hereditary; Tumor predisposition. Identifiers: Orphanet 140162, MedGen C0027672, MeSH D009386, MONDO:0015356.
Renal cell carcinoma. Identifiers: Orphanet 217071, MedGen C0007134, MeSH D002292, MONDO:0005086, HP:0005584.

Submissions (2):

Ambry Genetics
Classification: Likely benign for Hereditary cancer-predisposing syndrome. Last evaluated: 2026-06-01. Review status: criteria provided, single submitter. Criteria: Ambry Variant Classification Scheme 2023. Collection method: clinical testing. Allele origin: germline.

Labcorp Genetics (formerly Invitae), Labcorp
Classification: Uncertain significance for Renal cell carcinoma. Last evaluated: 2024-03-03. Review status: criteria provided, single submitter. Criteria: Invitae Variant Classification Sherloc (09022015). Collection method: clinical testing. Allele origin: germline.
Comment: This sequence change replaces alanine, which is neutral and non-polar, with valine, which is neutral and non-polar, at codon 1402 of the MET protein (p.Ala1402Val). This variant is not present in population databases (gnomAD no frequency). This variant has not been reported in the literature in individuals affected with MET-related conditions. Algorithms developed to predict the effect of missense changes on protein structure and function output the following: SIFT: "Not Available"; PolyPhen-2: "Not Available"; Align-GVGD: "Not Available". The valine amino acid residue is found in multiple mammalian species, which suggests that this missense change does not adversely affect protein function. In summary, the available evidence is currently insufficient to determine the role of this variant in disease. Therefore, it has been classified as a Variant of Uncertain Significance.